The following is an entry in ClinVar:

ClinVar aggregate classification (germline): Uncertain significance (1 of 4 stars; one submission).

Submission:

Labcorp Genetics (formerly Invitae), Labcorp
Classification: Uncertain significance. Last evaluated: 2024-05-28. Review status: criteria provided, single submitter. Criteria: Invitae Variant Classification Sherloc (09022015). Collection method: clinical testing. Allele origin: germline.
Comment: This sequence change creates a premature translational stop signal (p.Ser134*) in the SAMD9L gene. While this is not anticipated to result in nonsense mediated decay, it is expected to disrupt the last 1451 amino acid(s) of the SAMD9L protein. This variant is not present in population databases (gnomAD no frequency). This variant has not been reported in the literature in individuals affected with SAMD9L-related conditions. Experimental studies and prediction algorithms are not available or were not evaluated, and the functional significance of this variant is currently unknown. In summary, the available evidence is currently insufficient to determine the role of this variant in disease. Therefore, it has been classified as a Variant of Uncertain Significance.

NM_152703.5(SAMD9L):c.401C>A (p.Ser134Ter)

Gene: SAMD9L (sterile alpha motif domain containing 9 like; minus strand). Cytogenetic location: 7q21.2.
Variant type: single nucleotide variant.
Coding change: c.401C>A on transcript NM_152703.5 (MANE Select); coding-DNA position 401, C replaced by A.
Protein change: p.Ser134Ter; replaces serine 134 with a stop codon.
Molecular consequence: nonsense.
Genome position (GRCh38, 1-based): chr7:93,135,571, G>T on the plus strand (C>A on the coding strand, the complement: SAMD9L is on the minus strand). VCF-style: chr7-93135571-G-T. GRCh37 (hg19) VCF-style: chr7-92764884-G-T.
Other names: c.401C>A, p.Ser134Ter (NM_001303496.3, NM_001303497.3, NM_001303498.3 and 5 more transcripts); short protein forms S134*.
Identifiers: ClinVar variation 3652723 (VCV003652723.2).
Genomic context (GRCh38, chr7:93,135,571, plus strand): 5'-CCCTTTTTCTTGTGTTTAGCATTTGCTACTTCATCTAACACATTTTCTTTCATAAGAATT[G>T]ATTCTTCTTGTTTGATATCTCTGATCTCTCTGGGATCATAATCAATATTAGATGACATTG-3'